The following is an entry in ClinVar:

NM_001009944.3(PKD1):c.6160G>C (p.Val2054Leu)

Gene: PKD1 (polycystin 1, transient receptor potential channel interacting; minus strand). Cytogenetic location: 16p13.3.
Variant type: single nucleotide variant.
Coding change: c.6160G>C on transcript NM_001009944.3 (MANE Select); coding-DNA position 6160, G replaced by C.
Protein change: p.Val2054Leu; replaces valine 2054 with leucine.
Molecular consequence: missense variant.
Genome position (GRCh38, 1-based): chr16:2,109,007, C>G on the plus strand (G>C on the coding strand, the complement: PKD1 is on the minus strand). VCF-style: chr16-2109007-C-G. GRCh37 (hg19) VCF-style: chr16-2159008-C-G.
Other names: c.6160G>C, p.Val2054Leu (NM_000296.4); short protein forms V2054L.
Identifiers: ClinVar variation 2384725 (VCV002384725.4), dbSNP rs139419984, ClinGen allele CA7831699.

ClinVar aggregate classification (germline): Conflicting classifications of pathogenicity. Review status: criteria provided, conflicting classifications (1 of 4 stars). 3 submissions from 3 submitters: Uncertain significance (2); Likely benign (1). Last evaluated 2026-01-30.

Conditions:
Inborn genetic diseases. Identifiers: MedGen C0950123, MeSH D030342.
PKD1-related disorder. Also called: PKD1-related condition.

Allele frequency attached by ClinVar (database versions not stated): gnomAD exomes 0.00003; ExAC 0.00006; ESP Exome Variant Server 0.00015; gnomAD 0.00021; TOPMed 0.00025; 1000 Genomes Project 30x 0.00047; 1000 Genomes Project 0.00060.
gnomAD v4.1: 85 of 1,610,548 alleles (0.0053%); highest among the groups gnomAD compares: African/African-American, 0.088%; 1 homozygote.

Submissions (3):

PreventionGenetics, part of Exact Sciences
Classification: Likely benign for PKD1-related condition. Last evaluated: 2026-01-30. Review status: criteria provided, single submitter. Criteria: ACMG Guidelines, 2015. Collection method: clinical testing. Allele origin: germline.
Comment: This variant is classified as likely benign based on ACMG/AMP sequence variant interpretation guidelines (Richards et al. 2015 PMID: 25741868, with internal and published modifications).

Women's Health and Genetics/Laboratory Corporation of America, LabCorp
Classification: Uncertain significance. Last evaluated: 2025-07-21. Review status: criteria provided, single submitter. Criteria: LabCorp Variant Classification Summary - May 2015. Collection method: clinical testing. Allele origin: germline.
Comment: Variant summary: PKD1 c.6160G>C (p.Val2054Leu) results in a conservative amino acid change in the encoded protein sequence. Algorithms developed to predict the effect of missense changes on protein structure and function all suggest that this variant is likely to be tolerated. The variant allele was found at a frequency of 6.1e-05 in 244798 control chromosomes. This frequency is not significantly higher than estimated for a pathogenic variant in PKD1 causing PKD1-Biallelic Autosomal Recessive Polycystic Kidney Disease, allowing no conclusion about variant significance. To our knowledge, no occurrence of c.6160G>C in individuals affected with PKD1-Biallelic Autosomal Recessive Polycystic Kidney Disease and no experimental evidence demonstrating its impact on protein function have been reported. ClinVar contains an entry for this variant (Variation ID: 2384725). Based on the evidence outlined above, the variant was classified as uncertain significance.

Ambry Genetics
Classification: Uncertain significance for Inborn genetic diseases. Last evaluated: 2021-08-09. Review status: criteria provided, single submitter. Criteria: Ambry Variant Classification Scheme 2023. Collection method: clinical testing. Allele origin: germline.